The following is an entry in ClinVar:

NM_004304.5(ALK):c.500A>C (p.Gln167Pro)

Gene: ALK (ALK receptor tyrosine kinase; minus strand). Cytogenetic location: 2p23.1.
Variant type: single nucleotide variant.
Coding change: c.500A>C on transcript NM_004304.5 (MANE Select); coding-DNA position 500, A replaced by C.
Protein change: p.Gln167Pro; replaces glutamine 167 with proline.
Molecular consequence: missense variant.
Genome position (GRCh38, 1-based): chr2:29,920,160, T>G on the plus strand (A>C on the coding strand, the complement: ALK is on the minus strand). VCF-style: chr2-29920160-T-G. GRCh37 (hg19) VCF-style: chr2-30143026-T-G.
Other names: short protein forms Q167P.
Identifiers: ClinVar variation 4272426 (VCV004272426.1).

ClinVar aggregate classification (germline): Uncertain significance (1 of 4 stars; one submission).

Conditions:
Hereditary cancer-predisposing syndrome. Also called: Hereditary Cancer Syndrome; Hereditary neoplastic syndrome; Neoplastic Syndromes, Hereditary; Tumor predisposition. Identifiers: Orphanet 140162, MedGen C0027672, MeSH D009386, MONDO:0015356.

Submission:

Ambry Genetics
Classification: Uncertain significance for Hereditary cancer-predisposing syndrome. Last evaluated: 2025-07-03. Review status: criteria provided, single submitter. Criteria: Ambry Variant Classification Scheme 2023. Collection method: clinical testing. Allele origin: germline.
Comment: The p.Q167P variant (also known as c.500A>C), located in coding exon 1 of the ALK gene, results from an A to C substitution at nucleotide position 500. The glutamine at codon 167 is replaced by proline, an amino acid with similar properties. This amino acid position is conserved. In addition, the in silico prediction for this alteration is inconclusive. Based on the available evidence, the clinical significance of this variant remains unclear.